The following is an entry in ClinVar:

ClinVar aggregate classification (germline): Uncertain significance (1 of 4 stars; one submission).

Conditions:
Hereditary cancer-predisposing syndrome. Also called: Neoplastic Syndromes, Hereditary; Tumor predisposition; Hereditary Cancer Syndrome; Hereditary neoplastic syndrome. Identifiers: Orphanet 140162, MedGen C0027672, MeSH D009386, MONDO:0015356.

Submission:

Ambry Genetics
Classification: Uncertain significance for Hereditary cancer-predisposing syndrome. Last evaluated: 2026-04-27. Review status: criteria provided, single submitter. Criteria: Ambry Variant Classification Scheme 2023. Collection method: clinical testing. Allele origin: germline.
Comment: The p.P2790H variant (also known as c.8369C>A), located in coding exon 15 of the APC gene, results from a C to A substitution at nucleotide position 8369. The proline at codon 2790 is replaced by histidine, an amino acid with similar properties. This amino acid position is conserved. In addition, in silico predictors for this gene do not accurately predict pathogenicity. Based on the available evidence, the clinical significance of this variant remains unclear.

NM_000038.6(APC):c.8369C>A (p.Pro2790His)

Gene: APC (APC regulator of Wnt signaling pathway; plus strand). Cytogenetic location: 5q22.2.
Variant type: single nucleotide variant.
Coding change: c.8369C>A on transcript NM_000038.6 (MANE Select); coding-DNA position 8369, C replaced by A.
Protein change: p.Pro2790His; replaces proline 2790 with histidine.
Molecular consequence: missense variant. On other transcripts: non-coding transcript variant (2).
Genome position (GRCh38, 1-based): chr5:112,843,963, C>A. VCF-style: chr5-112843963-C-A. GRCh37 (hg19) VCF-style: chr5-112179660-C-A.
Other names: c.8294C>A, p.Pro2765His (NM_001354898.2); c.8285C>A, p.Pro2762His (NM_001354899.2); c.8246C>A, p.Pro2749His (NM_001354900.2); c.8192C>A, p.Pro2731His (NM_001354901.2, NM_001407453.1); c.8096C>A, p.Pro2699His (NM_001354902.2); c.8066C>A, p.Pro2689His (NM_001354903.2, NM_001407458.1, NM_001407459.1 and 1 more transcripts); c.7991C>A, p.Pro2664His (NM_001354904.2); c.7889C>A, p.Pro2630His (NM_001354905.2); and 11 more; short protein forms P2406H, P2507H, P2630H, P2661H, P2664H, P2689H, P2699H, P2707H.
Identifiers: ClinVar variation 4860744 (VCV004860744.1).